The following is an entry in ClinVar:

NM_000161.3(GCH1):c.215C>G (p.Ala72Gly)

Gene: GCH1 (GTP cyclohydrolase 1; minus strand). Cytogenetic location: 14q22.2.
Variant type: single nucleotide variant.
Coding change: c.215C>G on transcript NM_000161.3 (MANE Select); coding-DNA position 215, C replaced by G.
Protein change: p.Ala72Gly; replaces alanine 72 with glycine.
Molecular consequence: missense variant.
Genome position (GRCh38, 1-based): chr14:54,902,449, G>C on the plus strand (C>G on the coding strand, the complement: GCH1 is on the minus strand). VCF-style: chr14-54902449-G-C. GRCh37 (hg19) VCF-style: chr14-55369167-G-C.
Other names: c.215C>G, p.Ala72Gly (NM_001024024.2, NM_001024070.2, NM_001024071.2); short protein forms A72G.
Identifiers: ClinVar variation 1983309 (VCV001983309.4), dbSNP rs2504539859, ClinGen allele CA389793914.
Genomic context (GRCh38, chr14:54,902,449, plus strand): 5'-AGCAGCCCTTGCCGCTGGGGGTTCTCGCCCAGCGAGCTCAGGATGGACGAGTAGGCGGCT[G>C]CCAGGTTAGGGAGGTTCAGCTCGTTATCCTCCTCGCTGCGGGGCCGCTCGCCCTTCCAGC-3'
Protein context (NP_000152.1, residues 62-82): EDNELNLPNL[Ala72Gly]AAYSSILSSL

ClinVar aggregate classification (germline): Uncertain significance (1 of 4 stars; one submission).

Conditions:
Dystonia 5 (DRD). Also called: DYT-GCH1; DYSTONIA, PROGRESSIVE, WITH DIURNAL VARIATION; DYSTONIA-PARKINSONISM WITH DIURNAL FLUCTUATION; GTP Cyclohydrolase 1-Deficient Dopa-Responsive Dystonia; Dystonia, DOPA-responsive, with or without hyperphenylalaninemia. Identifiers: Orphanet 98808, MedGen C1851920, MONDO:0007495, OMIM 128230.
GTP cyclohydrolase I deficiency. Identifiers: MedGen C0268467, MONDO:0100184.

Submission:

Labcorp Genetics (formerly Invitae), Labcorp
Classification: Uncertain significance for GTP cyclohydrolase I deficiency; Dystonia 5. Last evaluated: 2022-04-12. Review status: criteria provided, single submitter. Criteria: Invitae Variant Classification Sherloc (09022015). Collection method: clinical testing. Allele origin: germline.
Comment: In summary, the available evidence is currently insufficient to determine the role of this variant in disease. Therefore, it has been classified as a Variant of Uncertain Significance. Advanced modeling of protein sequence and biophysical properties (such as structural, functional, and spatial information, amino acid conservation, physicochemical variation, residue mobility, and thermodynamic stability) performed at Invitae indicates that this missense variant is not expected to disrupt GCH1 protein function. This variant has not been reported in the literature in individuals affected with GCH1-related conditions. This variant is not present in population databases (gnomAD no frequency). This sequence change replaces alanine, which is neutral and non-polar, with glycine, which is neutral and non-polar, at codon 72 of the GCH1 protein (p.Ala72Gly).